The following is an entry in ClinVar:

NM_012079.6(DGAT1):c.713C>T (p.Pro238Leu)

Gene: DGAT1 (diacylglycerol O-acyltransferase 1; minus strand). Cytogenetic location: 8q24.3.
Variant type: single nucleotide variant.
Coding change: c.713C>T on transcript NM_012079.6 (MANE Select); coding-DNA position 713, C replaced by T.
Protein change: p.Pro238Leu; replaces proline 238 with leucine.
Molecular consequence: missense variant.
Genome position (GRCh38, 1-based): chr8:144,318,133, G>A on the plus strand (C>T on the coding strand, the complement: DGAT1 is on the minus strand). VCF-style: chr8-144318133-G-A. GRCh37 (hg19) VCF-style: chr8-145541796-G-A.
Other names: short protein forms P238L.
Identifiers: ClinVar variation 1038308 (VCV001038308.5), dbSNP rs373467033, ClinGen allele CA4936887.

ClinVar aggregate classification (germline): Uncertain significance. Review status: criteria provided, single submitter (1 of 4 stars). 3 submissions from 3 submitters: Uncertain significance (1). 2 of the submissions do not count toward it. Last evaluated 2025-08-07.

Allele frequency attached by ClinVar (database versions not stated): TOPMed 0.00003; gnomAD 0.00008 and 0.00013; ExAC 0.00028; gnomAD exomes 0.00029; 1000 Genomes Project 30x 0.00062; 1000 Genomes Project 0.00080.

Submissions (3):

Labcorp Genetics (formerly Invitae), Labcorp
Classification: Uncertain significance. Last evaluated: 2025-08-07. Review status: criteria provided, single submitter. Criteria: Invitae Variant Classification Sherloc (09022015). Collection method: clinical testing. Allele origin: germline.
Comment: This sequence change replaces proline, which is neutral and non-polar, with leucine, which is neutral and non-polar, at codon 238 of the DGAT1 protein (p.Pro238Leu). This variant is present in population databases (rs373467033, gnomAD 0.2%). This variant has not been reported in the literature in individuals affected with DGAT1-related conditions. ClinVar contains an entry for this variant (Variation ID: 1038308). Invitae Evidence Modeling of protein sequence and biophysical properties (such as structural, functional, and spatial information, amino acid conservation, physicochemical variation, residue mobility, and thermodynamic stability) indicates that this missense variant is not expected to disrupt DGAT1 protein function with a negative predictive value of 80%. In summary, the available evidence is currently insufficient to determine the role of this variant in disease. Therefore, it has been classified as a Variant of Uncertain Significance.

Clinical Genetics DNA and cytogenetics Diagnostics Lab, Erasmus MC, Erasmus Medical Center
Classification: Likely benign. Review status: no assertion criteria provided. Collection method: clinical testing. Allele origin: germline. Affected: yes. Study: VKGL Data-share Consensus. Not counted in ClinVar's aggregate classification.

Laboratory of Diagnostic Genome Analysis, Leiden University Medical Center (LUMC)
Classification: Likely benign. Review status: no assertion criteria provided. Collection method: clinical testing. Allele origin: germline. Affected: yes. Study: VKGL Data-share Consensus. Not counted in ClinVar's aggregate classification.